The following is an entry in ClinVar:

ClinVar aggregate classification (germline): Uncertain significance (1 of 4 stars; one submission).

Submission:

Labcorp Genetics (formerly Invitae), Labcorp
Classification: Uncertain significance. Last evaluated: 2022-11-29. Review status: criteria provided, single submitter. Criteria: Invitae Variant Classification Sherloc (09022015). Collection method: clinical testing. Allele origin: germline.
Comment: This sequence change replaces alanine, which is neutral and non-polar, with glycine, which is neutral and non-polar, at codon 41 of the COQ9 protein (p.Ala41Gly). In summary, the available evidence is currently insufficient to determine the role of this variant in disease. Therefore, it has been classified as a Variant of Uncertain Significance. Algorithms developed to predict the effect of missense changes on protein structure and function (SIFT, PolyPhen-2, Align-GVGD) all suggest that this variant is likely to be tolerated. This variant has not been reported in the literature in individuals affected with COQ9-related conditions. This variant is not present in population databases (gnomAD no frequency).

NM_020312.4(COQ9):c.122C>G (p.Ala41Gly)

Gene: COQ9 (coenzyme Q9; plus strand). Cytogenetic location: 16q21.
Variant type: single nucleotide variant.
Coding change: c.122C>G on transcript NM_020312.4 (MANE Select); coding-DNA position 122, C replaced by G.
Protein change: p.Ala41Gly; replaces alanine 41 with glycine.
Molecular consequence: missense variant.
Genome position (GRCh38, 1-based): chr16:57,451,088, C>G. VCF-style: chr16-57451088-C-G. GRCh37 (hg19) VCF-style: chr16-57485000-C-G.
Other names: short protein forms A41G.
Identifiers: ClinVar variation 1946158 (VCV001946158.5), dbSNP rs2543566363, ClinGen allele CA396026601.